The following is an entry in ClinVar:

ClinVar aggregate classification (germline): Likely pathogenic (1 of 4 stars; one submission).

Conditions:
Familial thoracic aortic aneurysm and aortic dissection (TAAD). Also called: Thoracic aortic aneurysms and dissections. Identifiers: Orphanet 91387, MedGen C4707243, MONDO:0019625.

Submission:

Ambry Genetics
Classification: Likely pathogenic for Familial thoracic aortic aneurysm and aortic dissection. Last evaluated: 2024-01-31. Review status: criteria provided, single submitter. Criteria: Ambry Variant Classification Scheme 2023. Collection method: clinical testing. Allele origin: germline.
Comment: The c.3887G>A (p.C1296Y) alteration is located in exon 28 (coding exon 28) of the MED12 gene. This alteration results from a G to A substitution at nucleotide position 3887, causing the cysteine (C) at amino acid position 1296 to be replaced by a tyrosine (Y). This variant was not reported in population-based cohorts in the Genome Aggregation Database (gnomAD). This amino acid position is highly conserved in available vertebrate species. This missense alteration is located in a region that has a low rate of benign missense variation (Lek, 2016; Firth, 2009). This alteration is predicted to be deleterious by in silico analysis. Based on the available evidence, this alteration is classified as likely pathogenic.

NM_005120.3(MED12):c.3887G>A (p.Cys1296Tyr)

Gene: MED12 (mediator complex subunit 12; plus strand). Cytogenetic location: Xq13.1.
Variant type: single nucleotide variant.
Coding change: c.3887G>A on transcript NM_005120.3 (MANE Select); coding-DNA position 3887, G replaced by A.
Protein change: p.Cys1296Tyr; replaces cysteine 1296 with tyrosine.
Molecular consequence: missense variant.
Genome position (GRCh38, 1-based): chrX:71,130,054, G>A. VCF-style: chrX-71130054-G-A. GRCh37 (hg19) VCF-style: chrX-70349904-G-A.
Other names: short protein forms C1296Y.
Identifiers: ClinVar variation 3124872 (VCV003124872.1), dbSNP rs2519694809, ClinGen allele CA413522945.